The following is an entry in ClinVar:

ClinVar aggregate classification (germline): Benign/Likely benign (0 of 4 stars; one submission).

Submission:

ISCA site 4
Classification: Benign/Likely benign. Last evaluated: 2012-09-21. Review status: no assertion criteria provided. Collection method: clinical testing. Allele origin: unknown. Affected: yes. Observed: 3 variant alleles. Clinical features observed: Abnormality of the nervous system (HP:0000707), Developmental delay AND/OR other significant developmental or morphological phenotypes, Sleep disturbance (HP:0002360), Global developmental delay (HP:0001263), Autism (HP:0000717), Feeding difficulties in infancy (HP:0008872).
Comment: Likely benign (1), Benign (2)

Copy number variation identified through the course of routine clinical cytogenomic testing in postnatal populations, with clinical assertions as classified by the original submitter.

GRCh38/hg38 4q35.2(chr4:187589927-187889836)x3

Genes: LINC02492 (long intergenic non-protein coding RNA 2492; minus strand), LOC105377603 (uncharacterized LOC105377603; plus strand), LOC126807261 (BRD4-independent group 4 enhancer GRCh37_chr4:188523188-188524387; plus strand), LOC126807262 (CDK7 strongly-dependent group 2 enhancer GRCh37_chr4:188592460-188593659; plus strand), LOC126807263 (P300/CBP strongly-dependent group 1 enhancer GRCh37_chr4:188665573-188666772; plus strand) and 1 more. Cytogenetic location: 4q35.2.
Variant type: copy number gain.
Change: copy number 3 (three copies instead of two) of chr4:187,589,927-187,889,836 (299.9 kb, GRCh38 coordinates, 1-based), cytogenetic band 4q35.2.
Identifiers: ClinVar variation 144609 (VCV000144609.2).